The following is an entry in ClinVar:

ClinVar aggregate classification (germline): Uncertain significance (1 of 4 stars; one submission).

Allele frequency attached by ClinVar (database versions not stated): gnomAD 0.00004; TOPMed 0.00005.

Submission:

Labcorp Genetics (formerly Invitae), Labcorp
Classification: Uncertain significance. Last evaluated: 2021-12-18. Review status: criteria provided, single submitter. Criteria: Invitae Variant Classification Sherloc (09022015). Collection method: clinical testing. Allele origin: germline.
Comment: In summary, the available evidence is currently insufficient to determine the role of this variant in disease. Therefore, it has been classified as a Variant of Uncertain Significance. Algorithms developed to predict the effect of missense changes on protein structure and function output the following: SIFT: "Deleterious"; PolyPhen-2: "Benign"; Align-GVGD: "Class C0". The cysteine amino acid residue is found in multiple mammalian species, which suggests that this missense change does not adversely affect protein function. This variant has not been reported in the literature in individuals affected with IFITM5-related conditions. This variant is present in population databases (rs753297728, gnomAD 0.02%). This sequence change replaces arginine, which is basic and polar, with cysteine, which is neutral and slightly polar, at codon 7 of the IFITM5 protein (p.Arg7Cys).

NM_001025295.3(IFITM5):c.19C>T (p.Arg7Cys)

Gene: IFITM5 (interferon induced transmembrane protein 5; minus strand). Cytogenetic location: 11p15.5.
Variant type: single nucleotide variant.
Coding change: c.19C>T on transcript NM_001025295.3 (MANE Select); coding-DNA position 19, C replaced by T.
Protein change: p.Arg7Cys; replaces arginine 7 with cysteine.
Molecular consequence: missense variant.
Genome position (GRCh38, 1-based): chr11:299,472, G>A on the plus strand (C>T on the coding strand, the complement: IFITM5 is on the minus strand). VCF-style: chr11-299472-G-A. GRCh37 (hg19) VCF-style: chr11-299472-G-A.
Other names: short protein forms R7C.
Identifiers: ClinVar variation 1927589 (VCV001927589.5), dbSNP rs753297728, ClinGen allele CA5773533.